The following is an entry in ClinVar:

ClinVar aggregate classification (germline): Benign/Likely benign. Review status: criteria provided, multiple submitters, no conflicts (2 of 4 stars). 3 submissions from 3 submitters: Benign (2); Likely benign (1). Last evaluated 2018-06-27.

Allele frequency attached by ClinVar (database versions not stated): gnomAD 0.80978 and 0.81539; TOPMed 0.80989; 1000 Genomes Project 30x 0.83729; 1000 Genomes Project 0.83766; gnomAD exomes 0.84952.
gnomAD v4.1: 1,234,198 of 1,458,810 alleles (85%); highest among the groups gnomAD compares: East Asian, 95%; 523,409 homozygotes.

Submissions (3):

Blueprint Genetics
Classification: Likely benign. Last evaluated: 2018-06-27. Review status: criteria provided, single submitter. Criteria: ACMG Guidelines, 2015. Collection method: clinical testing. Allele origin: germline.

GeneDx
Classification: Benign. Last evaluated: 2018-06-14. Review status: criteria provided, single submitter. Criteria: GeneDx Variant Classification (06012015). Collection method: clinical testing. Allele origin: germline. Affected: yes.
Comment: This variant is considered likely benign or benign based on one or more of the following criteria: it is a conservative change, it occurs at a poorly conserved position in the protein, it is predicted to be benign by multiple in silico algorithms, and/or has population frequency not consistent with disease.

Breakthrough Genomics
Classification: Benign. Review status: criteria provided, single submitter. Criteria: ACMG Guidelines, 2015. Collection method: not provided. Allele origin: germline. Inheritance: Autosomal recessive inheritance. Affected: yes.

NM_001753.5(CAV1):c.30+317T>C

Gene: CAV1 (caveolin 1; plus strand). Cytogenetic location: 7q31.2.
Variant type: single nucleotide variant.
Coding change: c.30+317T>C on transcript NM_001753.5 (MANE Select); 317 bases into the intron after coding-DNA position 30, T replaced by C.
Molecular consequence: intron variant. On other transcripts: 5 prime UTR variant (1).
Genome position (GRCh38, 1-based): chr7:116,525,409, T>C. VCF-style: chr7-116525409-T-C. GRCh37 (hg19) VCF-style: chr7-116165463-T-C.
Other names: c.-460T>C (NM_001172895.1).
Identifiers: ClinVar variation 673350 (VCV000673350.3), dbSNP rs2742125, ClinGen allele CA12519315.